The following is an entry in ClinVar:

NM_000516.7(GNAS):c.791A>G (p.Asn264Ser)

Gene: GNAS (GNAS complex locus; plus strand). Cytogenetic location: 20q13.32.
Variant type: single nucleotide variant.
Coding change: c.791A>G on transcript NM_000516.7 (MANE Select); coding-DNA position 791, A replaced by G.
Protein change: p.Asn264Ser; replaces asparagine 264 with serine.
Molecular consequence: missense variant. On other transcripts: 3 prime UTR variant (2).
Genome position (GRCh38, 1-based): chr20:58,909,756, A>G. VCF-style: chr20-58909756-A-G. GRCh37 (hg19) VCF-style: chr20-57484811-A-G.
Other names: c.794A>G, p.Asn265Ser (NM_001077488.5); c.746A>G, p.Asn249Ser (NM_001077489.4); c.*652A>G (NM_001077490.3); c.614A>G, p.Asn205Ser (NM_001309840.2, NM_001309861.2); c.*697A>G (NM_016592.5); c.2720A>G, p.Asn907Ser (NM_080425.4); c.749A>G, p.Asn250Ser (NM_080426.4); c.791A>G (NM_000516.5); short protein forms N205S, N249S, N250S, N264S, N265S, N907S.
Identifiers: ClinVar variation 1318984 (VCV001318984.5), dbSNP rs2146285468, ClinGen allele CA409452656.

ClinVar aggregate classification (germline): Uncertain significance. Review status: criteria provided, multiple submitters, no conflicts (2 of 4 stars). 3 submissions from 3 submitters: Uncertain significance (3). Last evaluated 2025-08-14.

Conditions:
GNAS-related disorder. Identifiers: MedGen CN380105.

Submissions (3):

PreventionGenetics, part of Exact Sciences
Classification: Uncertain significance for GNAS-related condition. Last evaluated: 2025-08-14. Review status: criteria provided, single submitter. Criteria: ACMG Guidelines, 2015. Collection method: clinical testing. Allele origin: germline.
Comment: The GNAS c.791A>G variant is predicted to result in the amino acid substitution p.Asn264Ser. To our knowledge, this variant has not been reported in the literature or in a large population database (gnomAD), indicating this variant is rare. Although we suspect that this variant may be pathogenic, at this time, the clinical significance of this variant is uncertain due to the absence of conclusive functional and genetic evidence.

Labcorp Genetics (formerly Invitae), Labcorp
Classification: Uncertain significance. Last evaluated: 2024-04-09. Review status: criteria provided, single submitter. Criteria: Invitae Variant Classification Sherloc (09022015). Collection method: clinical testing. Allele origin: germline.
Comment: This sequence change replaces asparagine, which is neutral and polar, with serine, which is neutral and polar, at codon 264 of the GNAS protein (p.Asn264Ser). This variant is not present in population databases (gnomAD no frequency). This variant has not been reported in the literature in individuals affected with GNAS-related conditions. ClinVar contains an entry for this variant (Variation ID: 1318984). Advanced modeling of protein sequence and biophysical properties (such as structural, functional, and spatial information, amino acid conservation, physicochemical variation, residue mobility, and thermodynamic stability) has been performed at Invitae for this missense variant, however the output from this modeling did not meet the statistical confidence thresholds required to predict the impact of this variant on GNAS protein function. In summary, the available evidence is currently insufficient to determine the role of this variant in disease. Therefore, it has been classified as a Variant of Uncertain Significance.

GeneDx
Classification: Uncertain significance. Last evaluated: 2021-01-08. Review status: criteria provided, single submitter. Criteria: GeneDx Variant Classification Process June 2021. Collection method: clinical testing. Allele origin: germline. Affected: yes.
Comment: Not observed in large population cohorts (Lek et al., 2016); In silico analysis supports that this missense variant has a deleterious effect on protein structure/function; Has not been previously published as pathogenic or benign to our knowledge